The following is an entry in ClinVar:

ClinVar aggregate classification (germline): Uncertain significance (0 of 4 stars; one submission).

Allele frequency attached by ClinVar (database versions not stated): gnomAD exomes below 0.00001.
gnomAD v4.1: 3 of 1,607,184 alleles (0.00019%); highest among the groups gnomAD compares: Non-Finnish European, 0.00025%; no homozygotes.

Submission:

Genetic Services Laboratory, University of Chicago
Classification: Uncertain significance. Last evaluated: 2022-06-15. Review status: no assertion criteria provided. Collection method: clinical testing. Allele origin: germline. Affected: no.
Comment: DNA sequence analysis of the BLK gene demonstrated a sequence change, c.1363C>G, in exon 13 that results in an amino acid change, p.Pro455Ala. This sequence change has been described in the gnomAD database in one individual which corresponds to a population frequency of 0.0004% (dbSNP rs546511658). The p.Pro455Ala change affects a highly conserved amino acid residue located in a domain of the BLK protein that is known to be functional. The p.Pro455Ala substitution appears to be deleterious using several in-silico pathogenicity prediction tools (SIFT, PolyPhen2, Align GVGD, REVEL). This sequence change does not appear to have been previously described in individuals with BLK-related disorders. Due to insufficient evidences and the lack of functional studies, the clinical significance of the p.Pro455Ala change remains unknown at this time.

NM_001715.3(BLK):c.1363C>G (p.Pro455Ala)

Gene: BLK (BLK proto-oncogene, Src family tyrosine kinase). Cytogenetic location: 8p23.1.
Variant type: single nucleotide variant.
Coding change: c.1363C>G on transcript NM_001715.3 (MANE Select); coding-DNA position 1363, C replaced by G.
Protein change: p.Pro455Ala; replaces proline 455 with alanine.
Molecular consequence: missense variant.
Genome position (GRCh38, 1-based): chr8:11,563,953, C>G. VCF-style: chr8-11563953-C-G. GRCh37 (hg19) VCF-style: chr8-11421462-C-G.
Other names: c.1150C>G, p.Pro384Ala (NM_001330465.2); short protein forms P384A, P455A.
Identifiers: ClinVar variation 2443082 (VCV002443082.2), dbSNP rs546511658, ClinGen allele CA370316679.